The following is an entry in ClinVar:

NM_000163.5(GHR):c.1344del (p.Ile449fs)

Gene: GHR (growth hormone receptor; plus strand). Cytogenetic location: 5p12.
Variant type: Deletion.
Coding change: c.1344del on transcript NM_000163.5 (MANE Select); coding-DNA position 1344, one base deleted (T; older notation c.1344delT).
Protein change: p.Ile449fs; shifts the reading frame from isoleucine 449.
Molecular consequence: frameshift variant. On other transcripts: 3 prime UTR variant (1).
Genome position (GRCh38, 1-based): chr5:42,718,851, T deleted; the last of 2 consecutive T bases (chr5:42,718,850-42,718,851); deleting either gives the same sequence. VCF-style (leftmost placement, unchanged base first): chr5-42718849-GT-G. GRCh37 (hg19) VCF-style: chr5-42718951-GT-G.
Other names: c.1365del, p.Ile456fs (NM_001242399.2); c.1344del, p.Ile449fs (NM_001242400.2, NM_001242401.4, NM_001242402.2 and 4 more transcripts); c.1278del, p.Ile427fs (NM_001242460.2); c.*386del (NM_001242462.1); c.1344delT (NM_000163.5); short protein forms I427fs, I449fs, I456fs.
Identifiers: ClinVar variation 3769480 (VCV003769480.2).

ClinVar aggregate classification (germline): Uncertain significance (1 of 4 stars; one submission).

Submission:

Women's Health and Genetics/Laboratory Corporation of America, LabCorp
Classification: Uncertain significance. Last evaluated: 2025-01-22. Review status: criteria provided, single submitter. Criteria: LabCorp Variant Classification Summary - May 2015. Collection method: clinical testing. Allele origin: germline.
Comment: Variant summary: GHR c.1344delT (p.Ile449SerfsX27) results in a premature termination codon in the last exon, predicted to cause a truncation of the encoded protein, however, nonsense mediated decay is not expected to occur. The variant was absent in 251124 control chromosomes. The available data on variant occurrences in the general population are insufficient to allow any conclusion about variant significance. To our knowledge, no occurrence of c.1344delT in individuals affected with Growth Hormone Insensitivity and no experimental evidence demonstrating its impact on protein function have been reported. No submitters have cited clinical-significance assessments for this variant to ClinVar. Based on the evidence outlined above, the variant was classified as uncertain significance.